The following is an entry in ClinVar:

ClinVar aggregate classification (germline): Uncertain significance (1 of 4 stars; one submission).

Allele frequency attached by ClinVar (database versions not stated): TOPMed below 0.00001.

Submission:

GeneDx
Classification: Uncertain significance. Last evaluated: 2023-12-08. Review status: criteria provided, single submitter. Criteria: GeneDx Variant Classification Process June 2021. Collection method: clinical testing. Allele origin: germline. Affected: yes.
Comment: Stop codon loss and change to a Leu codon, leading to protein extension and the addition of 14 amino acids at the C-terminus; Not observed at significant frequency in large population cohorts (gnomAD); Has not been previously published as pathogenic or benign to our knowledge

NM_033109.5(PNPT1):c.2351G>T (p.Ter784Leu)

Gene: PNPT1 (polyribonucleotide nucleotidyltransferase 1; minus strand). Cytogenetic location: 2p16.1.
Variant type: single nucleotide variant.
Coding change: c.2351G>T on transcript NM_033109.5 (MANE Select); coding-DNA position 2351, G replaced by T.
Protein change: p.Ter784Leu.
Molecular consequence: stop lost.
Genome position (GRCh38, 1-based): chr2:55,636,238, C>A on the plus strand (G>T on the coding strand, the complement: PNPT1 is on the minus strand). VCF-style: chr2-55636238-C-A. GRCh37 (hg19) VCF-style: chr2-55863373-C-A.
Identifiers: ClinVar variation 3252580 (VCV003252580.1), dbSNP rs1256655826.
Genomic context (GRCh38, chr2:55,636,238, plus strand): 5'-CTCTACAGCACATCACCCTAGACAAAATAGAATTCTAGAATTCTCTTTAAAAAAAAAAAT[C>A]ACTGAGAATTAGATGATGACTGTGAAATAGGTTCTCCCATTACAATACTACTTCTGTCAT-3'